The following is an entry in ClinVar:

NM_015087.5(SPART):c.*2343T>C

Gene: SPART (spartin; minus strand). Cytogenetic location: 13q13.3.
Variant type: single nucleotide variant.
Coding change: c.*2343T>C on transcript NM_015087.5 (MANE Select); 2343 bases downstream of the stop codon, T replaced by C.
Molecular consequence: 3 prime UTR variant.
Genome position (GRCh38, 1-based): chr13:36,302,022, A>G on the plus strand (T>C on the coding strand, the complement: SPART is on the minus strand). VCF-style: chr13-36302022-A-G. GRCh37 (hg19) VCF-style: chr13-36876159-A-G.
Other names: c.*2343T>C (NM_001142294.2, NM_001142295.2, NM_001142296.2).
Identifiers: ClinVar variation 311737 (VCV000311737.5), dbSNP rs34434389, ClinGen allele CA10639337.

ClinVar aggregate classification (germline): Likely benign (1 of 4 stars; one submission).

Conditions:
Troyer syndrome (SPG20). Identifiers: Orphanet 101000, MedGen C0393559, MONDO:0010156, OMIM 275900.

Allele frequency attached by ClinVar (database versions not stated): 1000 Genomes Project 0.03614; 1000 Genomes Project 30x 0.03701; gnomAD 0.05919 and 0.06013; TOPMed 0.06090.

Submission:

Illumina Laboratory Services, Illumina
Classification: Likely benign for Troyer syndrome. Last evaluated: 2017-04-27. Review status: criteria provided, single submitter. Criteria: ICSL Variant Classification Criteria 13 December 2019. Collection method: clinical testing. Allele origin: germline.
Comment: This variant was observed as part of a predisposition screen in an ostensibly healthy population. A literature search was performed for the gene, cDNA change, and amino acid change (where applicable). No publications were found based on this search. Allele frequency data from public databases allowed determination this variant is unlikely to cause disease. Therefore, this variant is classified as likely benign.